The following is an entry in ClinVar:

NM_000057.4(BLM):c.3046A>G (p.Arg1016Gly)

Gene: BLM (BLM RecQ like helicase; plus strand). Cytogenetic location: 15q26.1.
Variant type: single nucleotide variant.
Coding change: c.3046A>G on transcript NM_000057.4 (MANE Select); coding-DNA position 3046, A replaced by G.
Protein change: p.Arg1016Gly; replaces arginine 1016 with glycine.
Molecular consequence: missense variant.
Genome position (GRCh38, 1-based): chr15:90,794,193, A>G. VCF-style: chr15-90794193-A-G. GRCh37 (hg19) VCF-style: chr15-91337423-A-G.
Other names: c.3046A>G, p.Arg1016Gly (NM_001287246.2, NM_001287247.2); c.1921A>G, p.Arg641Gly (NM_001287248.2); short protein forms R641G, R1016G.
Identifiers: ClinVar variation 1476406 (VCV001476406.8), dbSNP rs1596259855, ClinGen allele CA393846705.

ClinVar aggregate classification (germline): Uncertain significance (1 of 4 stars; one submission).

Conditions:
Bloom syndrome (BLM). Also called: Bloom-Torre-Machacek syndrome. Identifiers: Orphanet 125, MedGen C0005859, MONDO:0008876, OMIM 210900.

Submission:

Labcorp Genetics (formerly Invitae), Labcorp
Classification: Uncertain significance for Bloom syndrome. Last evaluated: 2021-07-14. Review status: criteria provided, single submitter. Criteria: Invitae Variant Classification Sherloc (09022015). Collection method: clinical testing. Allele origin: germline.
Comment: In summary, the available evidence is currently insufficient to determine the role of this variant in disease. Therefore, it has been classified as a Variant of Uncertain Significance. Algorithms developed to predict the effect of sequence changes on RNA splicing suggest that this variant may create or strengthen a splice site, but this prediction has not been confirmed by published transcriptional studies. Algorithms developed to predict the effect of missense changes on protein structure and function are either unavailable or do not agree on the potential impact of this missense change (SIFT: "Deleterious"; PolyPhen-2: "Benign"; Align-GVGD: "Class C0"). This variant has not been reported in the literature in individuals with BLM-related conditions. This variant is not present in population databases (ExAC no frequency). This sequence change replaces arginine with glycine at codon 1016 of the BLM protein (p.Arg1016Gly). The arginine residue is weakly conserved and there is a moderate physicochemical difference between arginine and glycine.